The following is an entry in ClinVar:

ClinVar aggregate classification (germline): Uncertain significance (1 of 4 stars; one submission).

Conditions:
Hereditary cancer-predisposing syndrome. Also called: Neoplastic Syndromes, Hereditary; Tumor predisposition; Hereditary neoplastic syndrome; Hereditary Cancer Syndrome. Identifiers: Orphanet 140162, MedGen C0027672, MeSH D009386, MONDO:0015356.
Cardiovascular phenotype. Identifiers: MedGen CN230736.

Submission:

Ambry Genetics
Classification: Uncertain significance for Cardiovascular phenotype; Hereditary cancer-predisposing syndrome. Last evaluated: 2022-12-12. Review status: criteria provided, single submitter. Criteria: Ambry Variant Classification Scheme 2023. Collection method: clinical testing. Allele origin: germline.
Comment: The p.R652G variant (also known as c.1954C>G), located in coding exon 17 of the NF1 gene, results from a C to G substitution at nucleotide position 1954. The arginine at codon 652 is replaced by glycine, an amino acid with dissimilar properties. This amino acid position is conserved. In addition, the in silico prediction for this alteration is inconclusive. Since supporting evidence is limited at this time, the clinical significance of this alteration remains unclear.

NM_001042492.3(NF1):c.1954C>G (p.Arg652Gly)

Gene: NF1 (neurofibromin 1; plus strand). Cytogenetic location: 17q11.2.
Variant type: single nucleotide variant.
Coding change: c.1954C>G on transcript NM_001042492.3 (MANE Select); coding-DNA position 1954, C replaced by G.
Protein change: p.Arg652Gly; replaces arginine 652 with glycine.
Molecular consequence: missense variant.
Genome position (GRCh38, 1-based): chr17:31,225,203, C>G. VCF-style: chr17-31225203-C-G. GRCh37 (hg19) VCF-style: chr17-29552221-C-G.
Other names: c.1954C>G, p.Arg652Gly (NM_000267.4); short protein forms R652G.
Identifiers: ClinVar variation 2452241 (VCV002452241.2), dbSNP rs786202436, ClinGen allele CA399005496.
Genomic context (GRCh38, chr17:31,225,203, plus strand): 5'-TGTGATATTCCTTCTAGTGGAAATACCAGTCAAATGTCCATGGATCATGAAGAATTACTA[C>G]GTACTCCTGGAGCCTCTCTCCGGAAGGGAAAAGGGAACTCCTCTATGGTCAGCTTCTTCT-3'
Protein context (NP_001035957.1, residues 642-662): QMSMDHEELL[Arg652Gly]TPGASLRKGK